The following is an entry in ClinVar:

ClinVar aggregate classification (germline): Uncertain significance. Review status: criteria provided, multiple submitters, no conflicts (2 of 4 stars). 2 submissions from 2 submitters: Uncertain significance (2). Last evaluated 2026-03-21.

Conditions:
Inborn genetic diseases. Identifiers: MedGen C0950123, MeSH D030342.

Submissions (2):

GeneDx
Classification: Uncertain significance. Last evaluated: 2026-03-21. Review status: criteria provided, single submitter. Criteria: GeneDx Variant Classification Process June 2021. Collection method: clinical testing. Allele origin: germline.
Comment: Not observed at significant frequency in large population cohorts (gnomAD); In silico analysis supports that this missense variant has a deleterious effect on protein structure/function; Has not been previously published as pathogenic or benign to our knowledge

Ambry Genetics
Classification: Uncertain significance for Inborn genetic diseases. Last evaluated: 2016-12-09. Review status: criteria provided, single submitter. Criteria: Ambry exome assertion method (8-5-2015). Collection method: clinical testing. Allele origin: germline. Affected: yes. Observed: 1 variant allele.

NM_017780.4(CHD7):c.4159G>A (p.Asp1387Asn)

Gene: CHD7 (chromodomain helicase DNA binding protein 7; plus strand). Cytogenetic location: 8q12.2.
Variant type: single nucleotide variant.
Coding change: c.4159G>A on transcript NM_017780.4 (MANE Select); coding-DNA position 4159, G replaced by A.
Protein change: p.Asp1387Asn; replaces aspartic acid 1387 with asparagine.
Molecular consequence: missense variant. On other transcripts: intron variant (1).
Genome position (GRCh38, 1-based): chr8:60,836,986, G>A. VCF-style: chr8-60836986-G-A. GRCh37 (hg19) VCF-style: chr8-61749545-G-A.
Other names: c.1717-25243G>A (NM_001316690.1); c.4159G>A (NM_017780.2); short protein forms D1387N.
Identifiers: ClinVar variation 985277 (VCV000985277.4), dbSNP rs1804770146, ClinGen allele CA371316996.